The following is an entry in ClinVar:

ClinVar aggregate classification (germline): Uncertain significance. Review status: criteria provided, single submitter (1 of 4 stars). 2 submissions from 2 submitters: Uncertain significance (1). 1 of the submissions does not count toward it. Last evaluated 2022-12-07.

Conditions:
Retinal dystrophy. Also called: Inherited retinal dystrophy. Identifiers: Orphanet 71862, MedGen C0854723, MeSH D058499, MONDO:0019118, HP:0000556.
Retinitis pigmentosa 12 (RP12). Also called: RP WITH OR WITHOUT PPRPE; RP WITH OR WITHOUT PRESERVED PARAARTERIOLE RETINAL PIGMENT EPITHELIUM; RETINITIS PIGMENTOSA WITH OR WITHOUT PARAARTERIOLAR PRESERVATION OF RETINAL PIGMENT EPITHELIUM. Identifiers: Orphanet 791, MedGen C1838647, MONDO:0010818, OMIM 600105.

Allele frequency attached by ClinVar (database versions not stated): TOPMed below 0.00001; gnomAD exomes 0.00001.
gnomAD v4.1: 4 of 1,614,004 alleles (0.00025%); highest among the groups gnomAD compares: Non-Finnish European, 0.00034%; no homozygotes.

Submissions (2):

Center for Human Genetics and Genomic Medicine, Uniklinik Rwth Aachen
Classification: Uncertain significance for Retinitis pigmentosa 12. Last evaluated: 2022-12-07. Review status: criteria provided, single submitter. Criteria: ACMG Guidelines, 2015. Collection method: clinical testing. Allele origin: unknown. Inheritance: Autosomal recessive inheritance. Affected: yes.
Comment: The detected alteration has not yet been reported in the relevant databases (dbSNP151, gnomAD, ClinVar) or literature. Bioinformatic prediction tools classify the alteration as probably damaging/ deleterious (PolyPhen2, Mutation Taster, SIFT). Therefore, the variant has been classified as "variant of uncertain significance."

Institute of Human Genetics, Univ. Regensburg, Univ. Regensburg
Classification: Uncertain significance for Retinal dystrophy. Last evaluated: 2018-01-01. Review status: no assertion criteria provided. Criteria: ACMG Guidelines, 2015. Collection method: clinical testing. Allele origin: germline. Affected: yes. Not counted in ClinVar's aggregate classification.

NM_201253.3(CRB1):c.2480G>T (p.Gly827Val)

Gene: CRB1 (crumbs cell polarity complex component 1; plus strand). Cytogenetic location: 1q31.3.
Variant type: single nucleotide variant.
Coding change: c.2480G>T on transcript NM_201253.3 (MANE Select); coding-DNA position 2480, G replaced by T.
Protein change: p.Gly827Val; replaces glycine 827 with valine.
Molecular consequence: missense variant. On other transcripts: non-coding transcript variant (2), intron variant (1).
Genome position (GRCh38, 1-based): chr1:197,427,805, G>T. VCF-style: chr1-197427805-G-T. GRCh37 (hg19) VCF-style: chr1-197396935-G-T.
Other names: c.2144G>T, p.Gly715Val (NM_001193640.2); c.2273G>T, p.Gly758Val (NM_001257965.2); c.2128+5849G>T (NM_001257966.2); short protein forms G715V, G758V, G827V.
Identifiers: ClinVar variation 2503481 (VCV002503481.2), dbSNP rs1558132142, ClinGen allele CA344037683.
Genomic context (GRCh38, chr1:197,427,805, plus strand): 5'-TGTATCAGTCTTCACAAAACCTAGGATTTATTTCTGCTTCTACGTGGAAAATCGAAAAGG[G>T]AGATGTCATCTACATTGGTGGCCTACCTGACAAGCAAGAGACTGAACTTAATGGTGGATT-3'
Protein context (NP_957705.1, residues 817-837): ISASTWKIEK[Gly827Val]DVIYIGGLPD